The following is an entry in ClinVar:

NM_004357.5(CD151):c.359C>T (p.Thr120Met)

Gene: CD151 (CD151 molecule (Raph blood group); plus strand). Cytogenetic location: 11p15.5.
Variant type: single nucleotide variant.
Coding change: c.359C>T on transcript NM_004357.5 (MANE Select); coding-DNA position 359, C replaced by T.
Protein change: p.Thr120Met; replaces threonine 120 with methionine.
Molecular consequence: missense variant.
Genome position (GRCh38, 1-based): chr11:837,257, C>T. VCF-style: chr11-837257-C-T. GRCh37 (hg19) VCF-style: chr11-837257-C-T.
Other names: c.359C>T, p.Thr120Met (NM_001039490.2, NM_139029.2, NM_139030.4); c.359C>T (NM_004357.4); short protein forms T120M.
Identifiers: ClinVar variation 1429056 (VCV001429056.9), dbSNP rs34215390, ClinGen allele CA5792177.

ClinVar aggregate classification (germline): Uncertain significance. Review status: criteria provided, multiple submitters, no conflicts (2 of 4 stars). 4 submissions from 4 submitters: Uncertain significance (4). Last evaluated 2025-09-03.

Conditions:
CD151-related disorder. Also called: CD151-related condition.
Inborn genetic diseases. Identifiers: MedGen C0950123, MeSH D030342.

Allele frequency attached by ClinVar (database versions not stated): gnomAD 0.00020 and 0.00019; TOPMed 0.00027; ESP Exome Variant Server 0.00031; 1000 Genomes Project 30x 0.00047; 1000 Genomes Project 0.00060; gnomAD exomes 0.00004 and 0.00008; ExAC 0.00010.
gnomAD v4.1: 95 of 1,612,674 alleles (0.0059%); highest among the groups gnomAD compares: African/African-American, 0.087%; no homozygotes.

Submissions (4):

Labcorp Genetics (formerly Invitae), Labcorp
Classification: Uncertain significance. Last evaluated: 2025-09-03. Review status: criteria provided, single submitter. Criteria: Invitae Variant Classification Sherloc (09022015). Collection method: clinical testing. Allele origin: germline.
Comment: This sequence change replaces threonine, which is neutral and polar, with methionine, which is neutral and non-polar, at codon 120 of the CD151 protein (p.Thr120Met). This variant is present in population databases (rs34215390, gnomAD 0.08%), and has an allele count higher than expected for a pathogenic variant. This variant has not been reported in the literature in individuals affected with CD151-related conditions. ClinVar contains an entry for this variant (Variation ID: 1429056). An algorithm developed to predict the effect of missense changes on protein structure and function outputs the following: PolyPhen-2: "Benign". The methionine amino acid residue is found in multiple mammalian species, which suggests that this missense change does not adversely affect protein function. In summary, the available evidence is currently insufficient to determine the role of this variant in disease. Therefore, it has been classified as a Variant of Uncertain Significance.

Ambry Genetics
Classification: Uncertain significance for Inborn genetic diseases. Last evaluated: 2025-08-26. Review status: criteria provided, single submitter. Criteria: Ambry Variant Classification Scheme 2023. Collection method: clinical testing. Allele origin: germline.

PreventionGenetics, part of Exact Sciences
Classification: Uncertain significance for CD151-related condition. Last evaluated: 2025-04-01. Review status: criteria provided, single submitter. Criteria: ACMG Guidelines, 2015. Collection method: clinical testing. Allele origin: germline.
Comment: The CD151 c.359C>T variant is predicted to result in the amino acid substitution p.Thr120Met. To our knowledge, this variant has not been reported in the literature. This variant is reported in 0.077% of alleles in individuals of African descent in gnomAD. Although we suspect that this variant may be benign, at this time, the clinical significance of this variant is uncertain due to the absence of conclusive functional and genetic evidence.

Breakthrough Genomics
Classification: Uncertain significance. Review status: criteria provided, single submitter. Criteria: ACMG Guidelines, 2015. Collection method: not provided. Allele origin: germline. Inheritance: Autosomal recessive inheritance. Affected: yes.